The following is an entry in ClinVar:

NM_005269.3(GLI1):c.821del (p.Gly274fs)

Gene: GLI1 (GLI family zinc finger 1; plus strand). Cytogenetic location: 12q13.3.
Variant type: Deletion.
Coding change: c.821del on transcript NM_005269.3 (MANE Select); coding-DNA position 821, one base deleted (G; older notation c.821delG).
Protein change: p.Gly274fs; shifts the reading frame from glycine 274.
Molecular consequence: frameshift variant.
Genome position (GRCh38, 1-based): chr12:57,466,298, G deleted; the last of 7 consecutive G bases (chr12:57,466,292-57,466,298); deleting any one gives the same sequence. VCF-style (leftmost placement, unchanged base first): chr12-57466291-TG-T. GRCh37 (hg19) VCF-style: chr12-57860074-TG-T.
Other names: c.437del, p.Gly146fs (NM_001160045.2); c.698del, p.Gly233fs (NM_001167609.2); short protein forms G146fs, G233fs, G274fs.
Identifiers: ClinVar variation 4850185 (VCV004850185.1).
Genomic context (GRCh38, chr12:57,466,291, plus strand): 5'-CTCCCTCAGCACATCAACAGCGAGCACATCCACGGGGAGCGGAAGGAGTTCGTGTGCCAC[TG>T]GGGGGGCTGCTCCAGGGAGCTGAGGCCCTTCAAAGCCCAGTACATGCTGGTGGTTCACAT-3'

ClinVar aggregate classification (germline): Likely pathogenic (1 of 4 stars; one submission).

Conditions:
Autosomal recessive GLI1-related disorders.

Submission:

Variantyx, Inc.
Classification: Likely pathogenic for Autosomal recessive GLI1-related disorders. Last evaluated: 2025-04-24. Review status: criteria provided, single submitter. Criteria: Variantyx Assertion Criteria 2022. Collection method: clinical testing. Allele origin: germline. Inheritance: Autosomal recessive inheritance. Affected: no.
Comment: This is a frameshift variant in the GLI1 gene (OMIM: 165220). Pathogenic variants in this gene have been associated with autosomal recessive GLI1-related disorders. This variant introduces a premature termination codon in exon 8 out of 12 and is expected to result in loss of function, which is a known disease mechanism for GLI1 in these disorders (PVS1) (PMID:28973407;1549748;3544509). This variant has a 0.0012% maximum allele frequency in non-founder control populations (PM2). This variant was reported in a cohort study on congenital heart disease. However, the phenotype of the affected individuals was not well characterized (PMID: 33084842). Based on the current evidence, this variant is classified as likely pathogenic for autosomal recessive GLI1-related disorders.No other variant of clinical significance was identified in the GLI1 gene.

Literature cited by the submitters: PubMed 28973407; PubMed 1549748; PubMed 3544509.